The following is an entry in ClinVar:

ClinVar aggregate classification (germline): Uncertain significance (1 of 4 stars; one submission).

Conditions:
Pierpont syndrome (PRPTS). Identifiers: Orphanet 487825, MedGen C1865644, MONDO:0011213, OMIM 602342.

Submission:

Labcorp Genetics (formerly Invitae), Labcorp
Classification: Uncertain significance for Pierpont syndrome. Last evaluated: 2025-10-23. Review status: criteria provided, single submitter. Criteria: Invitae Variant Classification Sherloc (09022015). Collection method: clinical testing. Allele origin: germline.
Comment: This sequence change replaces cysteine, which is neutral and slightly polar, with arginine, which is basic and polar, at codon 214 of the TBL1XR1 protein (p.Cys214Arg). This variant is not present in population databases (gnomAD no frequency). This variant has not been reported in the literature in individuals affected with TBL1XR1-related conditions. Invitae Evidence Modeling of protein sequence and biophysical properties (such as structural, functional, and spatial information, amino acid conservation, physicochemical variation, residue mobility, and thermodynamic stability) indicates that this missense variant is expected to disrupt TBL1XR1 protein function with a positive predictive value of 95%. In summary, the available evidence is currently insufficient to determine the role of this variant in disease. Therefore, it has been classified as a Variant of Uncertain Significance.

NM_024665.7(TBL1XR1):c.640T>C (p.Cys214Arg)

Gene: TBL1XR1 (TBL1X/Y related 1; minus strand). Cytogenetic location: 3q26.32.
Variant type: single nucleotide variant.
Coding change: c.640T>C on transcript NM_024665.7 (MANE Select); coding-DNA position 640, T replaced by C.
Protein change: p.Cys214Arg; replaces cysteine 214 with arginine.
Molecular consequence: missense variant.
Genome position (GRCh38, 1-based): chr3:177,050,059, A>G on the plus strand (T>C on the coding strand, the complement: TBL1XR1 is on the minus strand). VCF-style: chr3-177050059-A-G. GRCh37 (hg19) VCF-style: chr3-176767847-A-G.
Other names: c.640T>C, p.Cys214Arg (NM_001321193.3, NM_001321194.3, NM_001374327.1 and 2 more transcripts); c.379T>C, p.Cys127Arg (NM_001321195.3, NM_001374330.1); short protein forms C127R, C214R.
Identifiers: ClinVar variation 4801767 (VCV004801767.1).